The following is an entry in ClinVar:

NM_003227.4(TFR2):c.1391-13C>A

Gene: TFR2 (transferrin receptor 2; minus strand). Cytogenetic location: 7q22.1.
Variant type: single nucleotide variant.
Coding change: c.1391-13C>A on transcript NM_003227.4 (MANE Select); 13 bases into the intron before coding-DNA position 1391, C replaced by A.
Molecular consequence: intron variant.
Genome position (GRCh38, 1-based): chr7:100,628,319, G>T on the plus strand (C>A on the coding strand, the complement: TFR2 is on the minus strand). VCF-style: chr7-100628319-G-T. GRCh37 (hg19) VCF-style: chr7-100225942-G-T.
Other names: c.878-13C>A (NM_001206855.3).
Identifiers: ClinVar variation 358290 (VCV000358290.13), dbSNP rs201483480, ClinGen allele CA4386457.

ClinVar aggregate classification (germline): Benign. Review status: criteria provided, multiple submitters, no conflicts (2 of 4 stars). 2 submissions from 2 submitters: Benign (2). Last evaluated 2026-01-31.

Conditions:
Hereditary hemochromatosis (HFE). Identifiers: MedGen C0392514, MONDO:0006507. Disease mechanism: loss of function.
Hemochromatosis type 3 (HFE3). Also called: HEMOCHROMATOSIS DUE TO DEFECT IN TRANSFERRIN RECEPTOR 2; Hereditary hemochromatosis type 3; TFR2-Related Hemochromatosis. Identifiers: Orphanet 225123, MedGen C1858664, MONDO:0011417, OMIM 604250.

Allele frequency attached by ClinVar (database versions not stated): ESP Exome Variant Server 0.00023; gnomAD 0.00034 and 0.00099; TOPMed 0.00058; gnomAD exomes 0.00145 and 0.00315; ExAC 0.00362; 1000 Genomes Project 30x 0.00578; 1000 Genomes Project 0.00599.
gnomAD v4.1: 2,307 of 1,613,878 alleles (0.14%); highest among the groups gnomAD compares: South Asian, 2%; 30 homozygotes.

Submissions (3):

Labcorp Genetics (formerly Invitae), Labcorp
Classification: Benign for Hereditary hemochromatosis. Last evaluated: 2026-01-31. Review status: criteria provided, single submitter. Criteria: Invitae Variant Classification Sherloc (09022015). Collection method: clinical testing. Allele origin: germline.

Illumina Laboratory Services, Illumina
Classification: Benign for Hemochromatosis type 3. Last evaluated: 2018-01-12. Review status: criteria provided, single submitter. Criteria: ICSL Variant Classification Criteria 13 December 2019. Collection method: clinical testing. Allele origin: germline.
Comment: This variant was observed in the ICSL laboratory as part of a predisposition screen in an ostensibly healthy population. It had not been previously curated by ICSL or reported in the Human Gene Mutation Database (HGMD: prior to June 1st, 2018), and was therefore a candidate for classification through an automated scoring system. Utilizing variant allele frequency, disease prevalence and penetrance estimates, and inheritance mode, an automated score was calculated to assess if this variant is too frequent to cause the disease. Based on the score and internal cut-off values, a variant classified as benign is not then subjected to further curation. The score for this variant resulted in a classification of benign for this disease.

Dr. Peter K. Rogan Lab, Western University
No classification provided (evidence only). Condition: Sarcoma. Review status: no classification provided. Collection method: in vitro. Allele origin: not applicable. Functional consequence: retained intron. Not counted in ClinVar's aggregate classification.